The following is an entry in ClinVar:

NM_000117.3(EMD):c.449+3G>A

Gene: EMD (emerin; plus strand). Cytogenetic location: Xq28.
Variant type: single nucleotide variant.
Coding change: c.449+3G>A on transcript NM_000117.3 (MANE Select); 3 bases into the intron after coding-DNA position 449, G replaced by A.
Molecular consequence: intron variant.
Genome position (GRCh38, 1-based): chrX:154,380,805, G>A. VCF-style: chrX-154380805-G-A. GRCh37 (hg19) VCF-style: chrX-153609165-G-A.
Identifiers: ClinVar variation 2451681 (VCV002451681.3), dbSNP rs2067883105, ClinGen allele CA2580101744.

ClinVar aggregate classification (germline): Uncertain significance. Review status: criteria provided, multiple submitters, no conflicts (2 of 4 stars). 2 submissions from 2 submitters: Uncertain significance (2). Last evaluated 2025-08-30.

Conditions:
X-linked Emery-Dreifuss muscular dystrophy. Also called: Muscular dystrophy, tardive Emery-Dreifuss type, with contractures. Identifiers: Orphanet 261, Orphanet 98863, MedGen C0751337, MONDO:0010680.
Cardiovascular phenotype. Identifiers: MedGen CN230736.

Submissions (2):

Labcorp Genetics (formerly Invitae), Labcorp
Classification: Uncertain significance for X-linked Emery-Dreifuss muscular dystrophy. Last evaluated: 2025-08-30. Review status: criteria provided, single submitter. Criteria: Invitae Variant Classification Sherloc (09022015). Collection method: clinical testing. Allele origin: germline.
Comment: This sequence change falls in intron 5 of the EMD gene. It does not directly change the encoded amino acid sequence of the EMD protein. It affects a nucleotide within the consensus splice site. This variant is not present in population databases (gnomAD no frequency). This variant has not been reported in the literature in individuals affected with EMD-related conditions. ClinVar contains an entry for this variant (Variation ID: 2451681). Variants that disrupt the consensus splice site are a relatively common cause of aberrant splicing (PMID: 17576681, 9536098). Algorithms developed to predict the effect of sequence changes on RNA splicing suggest that this variant is not likely to affect RNA splicing. In summary, the available evidence is currently insufficient to determine the role of this variant in disease. Therefore, it has been classified as a Variant of Uncertain Significance.

Ambry Genetics
Classification: Uncertain significance for Cardiovascular phenotype. Last evaluated: 2023-01-09. Review status: criteria provided, single submitter. Criteria: Ambry Variant Classification Scheme 2023. Collection method: clinical testing. Allele origin: germline.
Comment: The c.449+3G>A intronic variant results from a G to A substitution 3 nucleotides after coding exon 5 in the EMD gene. This nucleotide position is poorly conserved in available vertebrate species. In silico splice site analysis predicts that this alteration will not have any significant effect on splicing. Since supporting evidence is limited at this time, the clinical significance of this alteration remains unclear.

Literature cited by the submitters: PubMed 17576681 (cited by Labcorp Genetics (formerly Invitae), Labcorp); PubMed 9536098 (cited by Labcorp Genetics (formerly Invitae), Labcorp).